The following is an entry in ClinVar:

NM_001379500.1(COL18A1):c.1842G>C (p.Met614Ile)

Gene: COL18A1 (collagen type XVIII alpha 1 chain; plus strand). Cytogenetic location: 21q22.3.
Variant type: single nucleotide variant.
Coding change: c.1842G>C on transcript NM_001379500.1 (MANE Select); coding-DNA position 1842, G replaced by C.
Protein change: p.Met614Ile; replaces methionine 614 with isoleucine.
Molecular consequence: missense variant.
Genome position (GRCh38, 1-based): chr21:45,487,455, G>C. VCF-style: chr21-45487455-G-C. GRCh37 (hg19) VCF-style: chr21-46907369-G-C.
Other names: c.2382G>C, p.Met794Ile (NM_030582.4); c.3087G>C, p.Met1029Ile (NM_130444.3); short protein forms M1029I, M794I, M614I.
Identifiers: ClinVar variation 1391237 (VCV001391237.6), dbSNP rs759166031, ClinGen allele CA10066574.
Genomic context (GRCh38, chr21:45,487,455, plus strand): 5'-CCTTCCCTAAGAAGGGACACAGGCCCCTACGTGTCTCGTGTGTCTCTTCCAGGATGACAT[G>C]GAAGGCTCCGGGGGGCCCTTCTGGTCAACAGCCCGAAGCGCTGATGGGCCACAGGTAGTG-3'
Protein context (NP_001366429.1, residues 604-624): GPGLPAGFDD[Met614Ile]EGSGGPFWST

ClinVar aggregate classification (germline): Uncertain significance (1 of 4 stars; one submission).

Allele frequency attached by ClinVar (database versions not stated): gnomAD exomes below 0.00001; ExAC 0.00001; gnomAD 0.00001; TOPMed 0.00001.
gnomAD v4.1: 1 of 1,612,920 alleles (0.000062%); highest among the groups gnomAD compares: African/African-American, 0.0013%; no homozygotes.

Submission:

Labcorp Genetics (formerly Invitae), Labcorp
Classification: Uncertain significance. Last evaluated: 2022-03-25. Review status: criteria provided, single submitter. Criteria: Invitae Variant Classification Sherloc (09022015). Collection method: clinical testing. Allele origin: germline.
Comment: This sequence change replaces methionine, which is neutral and non-polar, with isoleucine, which is neutral and non-polar, at codon 614 of the COL18A1 protein (p.Met614Ile). In summary, the available evidence is currently insufficient to determine the role of this variant in disease. Therefore, it has been classified as a Variant of Uncertain Significance. Experimental studies and prediction algorithms are not available or were not evaluated, and the functional significance of this variant is currently unknown. This variant has not been reported in the literature in individuals affected with COL18A1-related conditions. This variant is present in population databases (rs759166031, gnomAD 0.007%).